The following is an entry in ClinVar:

NM_001388367.1(NBPF9):c.1134C>G (p.Thr378=)

Gene: NBPF9 (NBPF member 9; minus strand). Cytogenetic location: 1q21.2.
Variant type: single nucleotide variant.
Coding change: c.1134C>G on transcript NM_001388367.1 (MANE Select); coding-DNA position 1134, C replaced by G.
Protein change: p.Thr378=; no amino-acid change (threonine 378 retained).
Molecular consequence: synonymous variant.
Genome position (GRCh38, 1-based): chr1:149,072,890, G>C on the plus strand (C>G on the coding strand, the complement: NBPF9 is on the minus strand). VCF-style: chr1-149072890-G-C. GRCh37 (hg19) VCF-style: chr1-144814722-C-G.
Other names: c.1134C>G, p.Thr378= (NM_001037675.4, NM_001277444.2, NM_001388366.1 and 16 more transcripts).
Identifiers: ClinVar variation 3067404 (VCV003067404.21), dbSNP rs782104551, ClinGen allele CA889065104.

ClinVar aggregate classification (germline): Likely benign (1 of 4 stars; one submission).

Allele frequency attached by ClinVar (database versions not stated): ExAC 0.00010.

Submission:

CeGaT Center for Human Genetics Tuebingen
Classification: Likely benign. Last evaluated: 2024-03-01. Review status: criteria provided, single submitter. Criteria: CeGaT Center For Human Genetics Tuebingen Variant Classification Criteria Version 2. Collection method: clinical testing. Allele origin: germline. Affected: yes. Observed: 1 variant allele.
Comment: NBPF9: BP4, BP7, BS2